The following is an entry in ClinVar:

ClinVar aggregate classification (germline): Uncertain significance (1 of 4 stars; one submission).

Conditions:
Familial acute necrotizing encephalopathy (IIAE3). Also called: ENCEPHALOPATHY, ACUTE, INFECTION-INDUCED, SUSCEPTIBILITY TO, 3; Susceptibility to Acute Necrotizing Encephalopathy 1. Identifiers: Orphanet 88619, MedGen C2675556, MONDO:0011953, OMIM 608033.

Allele frequency attached by ClinVar (database versions not stated): gnomAD 0.00001; gnomAD exomes 0.00002; TOPMed 0.00003.
gnomAD v4.1: 27 of 1,613,968 alleles (0.0017%); highest among the groups gnomAD compares: Non-Finnish European, 0.0021%; no homozygotes.

Submission:

Labcorp Genetics (formerly Invitae), Labcorp
Classification: Uncertain significance for Familial acute necrotizing encephalopathy. Last evaluated: 2022-08-31. Review status: criteria provided, single submitter. Criteria: Invitae Variant Classification Sherloc (09022015). Collection method: clinical testing. Allele origin: germline.
Comment: This sequence change replaces lysine, which is basic and polar, with glutamine, which is neutral and polar, at codon 2645 of the RANBP2 protein (p.Lys2645Gln). This variant is present in population databases (no rsID available, gnomAD 0.004%). This variant has not been reported in the literature in individuals affected with RANBP2-related conditions. ClinVar contains an entry for this variant (Variation ID: 583127). Algorithms developed to predict the effect of missense changes on protein structure and function (SIFT, PolyPhen-2, Align-GVGD) all suggest that this variant is likely to be disruptive. In summary, the available evidence is currently insufficient to determine the role of this variant in disease. Therefore, it has been classified as a Variant of Uncertain Significance.

NM_006267.5(RANBP2):c.7933A>C (p.Lys2645Gln)

Gene: RANBP2 (RAN binding protein 2; plus strand). Cytogenetic location: 2q13.
Variant type: single nucleotide variant.
Coding change: c.7933A>C on transcript NM_006267.5 (MANE Select); coding-DNA position 7933, A replaced by C.
Protein change: p.Lys2645Gln; replaces lysine 2645 with glutamine.
Molecular consequence: missense variant.
Genome position (GRCh38, 1-based): chr2:108,771,784, A>C. VCF-style: chr2-108771784-A-C. GRCh37 (hg19) VCF-style: chr2-109388240-A-C.
Other names: short protein forms K2645Q.
Identifiers: ClinVar variation 583127 (VCV000583127.9), dbSNP rs1006200808, ClinGen allele CA53459495.
Genomic context (GRCh38, chr2:108,771,784, plus strand): 5'-GATTCTCCCTCAGATGATGATGTTCTCATTGTATATGAACTAACTCCAACCGCTGAGCAG[A>C]AAGCCCTTGCAACCAAACTTAAACTTCCTCCAACTTTCTTCTGCTACAAGAATAGACCAG-3'
Protein context (NP_006258.3, residues 2635-2655): VYELTPTAEQ[Lys2645Gln]ALATKLKLPP